The following is an entry in ClinVar:

NM_000298.6(PKLR):c.375+1G>A

Gene: PKLR (pyruvate kinase L/R; minus strand). Cytogenetic location: 1q22.
Variant type: single nucleotide variant.
Coding change: c.375+1G>A on transcript NM_000298.6 (MANE Select); the canonical splice donor site of the intron after coding-DNA position 375, G replaced by A.
Molecular consequence: splice donor variant.
Genome position (GRCh38, 1-based): chr1:155,295,664, C>T on the plus strand (G>A on the coding strand, the complement: PKLR is on the minus strand). VCF-style: chr1-155295664-C-T. GRCh37 (hg19) VCF-style: chr1-155265455-C-T.
Other names: c.282+1G>A (NM_181871.4).
Identifiers: ClinVar variation 4852167 (VCV004852167.1).

ClinVar aggregate classification (germline): Likely pathogenic (1 of 4 stars; one submission).

Conditions:
Pyruvate kinase deficiency of red cells (CNSHA2). Also called: PK DEFICIENCY; PYRUVATE KINASE DEFICIENCY OF ERYTHROCYTE; Pyruvate kinase deficiency, Amish type. Identifiers: Orphanet 766, MedGen C0340968, MONDO:0009950, OMIM 266200.

gnomAD v4.1: 1 of 1,614,072 alleles (0.000062%); highest among the groups gnomAD compares: Non-Finnish European, 0.000085%; no homozygotes.

Submission:

Variantyx, Inc.
Classification: Likely pathogenic for Pyruvate kinase deficiency of red cells. Last evaluated: 2025-04-24. Review status: criteria provided, single submitter. Criteria: Variantyx Assertion Criteria 2022. Collection method: clinical testing. Allele origin: germline. Inheritance: Autosomal recessive inheritance. Affected: no.
Comment: This is a canonical splicing variant in the PKLR gene (OMIM: 609712). Pathogenic variants in this gene have been associated with autosomal recessive pyruvate kinase deficiency. This splicing variant is expected to result in loss of function, which is a known disease mechanism for PKLR in this disorder (PMID: 9827908, 38666530) (PVS1). This variant has a 0.0001% maximum allele frequency in non-founder control populations (PM2_Supporting). Based on the current evidence, this variant is classified as pathogenic for autosomal recessive pyruvate kinase deficiency.

Literature cited by the submitters: PubMed 9827908; PubMed 38666530; PubMed 32043619.